The following is an entry in ClinVar:

NM_000535.7(PMS2):c.160A>G (p.Ile54Val)

Gene: PMS2 (PMS1 homolog 2, mismatch repair system component; minus strand). Cytogenetic location: 7p22.1.
Variant type: single nucleotide variant.
Coding change: c.160A>G on transcript NM_000535.7 (MANE Select); coding-DNA position 160, A replaced by G.
Protein change: p.Ile54Val; replaces isoleucine 54 with valine.
Molecular consequence: missense variant. On other transcripts: 5 prime UTR variant (8), non-coding transcript variant (1), intron variant (3).
Genome position (GRCh38, 1-based): chr7:6,005,895, T>C on the plus strand (A>G on the coding strand, the complement: PMS2 is on the minus strand). VCF-style: chr7-6005895-T-C. GRCh37 (hg19) VCF-style: chr7-6045526-T-C.
Other names: c.-246A>G (NM_001018040.1, NM_001322003.2, NM_001322005.2 and 11 more transcripts); c.160A>G, p.Ile54Val (NM_001322006.2, NM_001322014.2, NM_001406868.1 and 10 more transcripts); c.-56A>G (NM_001322007.2, NM_001406876.1, NM_001406883.1 and 4 more transcripts); c.-725A>G (NM_001322011.2, NM_001322012.2); c.-325A>G (NM_001322015.2, NM_001406875.1, NM_001406877.1 and 2 more transcripts); c.346A>G, p.Ile116Val (NM_001406866.1); c.-272A>G (NM_001406880.1); c.-193A>G (NM_001406888.1, NM_001406889.1, NM_001406892.1 and 5 more transcripts); and 5 more; short protein forms I116V, I54V.
Identifiers: ClinVar variation 2073047 (VCV002073047.6), dbSNP rs1227803656, ClinGen allele CA366744949.

ClinVar aggregate classification (germline): Uncertain significance. Review status: criteria provided, multiple submitters, no conflicts (2 of 4 stars). 3 submissions from 3 submitters: Uncertain significance (3). Last evaluated 2025-02-18.

Conditions:
Hereditary nonpolyposis colorectal neoplasms. Identifiers: MedGen C0009405, MeSH D003123.
Hereditary cancer-predisposing syndrome. Also called: Neoplastic Syndromes, Hereditary; Hereditary Cancer Syndrome; Tumor predisposition; Hereditary neoplastic syndrome. Identifiers: Orphanet 140162, MedGen C0027672, MeSH D009386, MONDO:0015356.

Submissions (3):

Quest Diagnostics Nichols Institute San Juan Capistrano
Classification: Uncertain significance. Last evaluated: 2025-02-18. Review status: criteria provided, single submitter. Criteria: Quest Diagnostics criteria. Collection method: clinical testing. Allele origin: unknown.
Comment: The PMS2 c.160A>G (p.Ile54Val) variant has not been reported in individuals with PMS2-related conditions in the published literature. The frequency of this variant in the general population (Genome Aggregation Database) is uninformative in the assessment of its pathogenicity. Analysis of this variant using bioinformatics tools for the prediction of the effect of amino acid changes on protein structure and function yielded predictions that this variant is benign. Based on the available information, we are unable to determine the clinical significance of this variant.

Color Diagnostics, LLC DBA Color Health
Classification: Uncertain significance for Hereditary cancer-predisposing syndrome. Last evaluated: 2024-08-05. Review status: criteria provided, single submitter. Criteria: ACMG Guidelines, 2015. Collection method: clinical testing. Allele origin: germline.
Comment: This missense variant replaces isoleucine with valine at codon 54 of the PMS2 protein. Computational prediction suggests that this variant may not impact protein structure and function (internally defined REVEL score threshold <= 0.5, PMID: 27666373). To our knowledge, functional studies have not been reported for this variant. This variant has not been reported in individuals affected with PMS2-related disorders in the literature. This variant has been identified in 1/245722 chromosomes in the general population by the Genome Aggregation Database (gnomAD). The available evidence is insufficient to determine the role of this variant in disease conclusively. Therefore, this variant is classified as a Variant of Uncertain Significance.

Labcorp Genetics (formerly Invitae), Labcorp
Classification: Uncertain significance for Hereditary nonpolyposis colorectal neoplasms. Last evaluated: 2022-02-24. Review status: criteria provided, single submitter. Criteria: Invitae Variant Classification Sherloc (09022015). Collection method: clinical testing. Allele origin: germline.
Comment: This sequence change replaces isoleucine, which is neutral and non-polar, with valine, which is neutral and non-polar, at codon 54 of the PMS2 protein (p.Ile54Val). This variant is present in population databases (no rsID available, gnomAD 0.004%). This variant has not been reported in the literature in individuals affected with PMS2-related conditions. Advanced modeling of protein sequence and biophysical properties (such as structural, functional, and spatial information, amino acid conservation, physicochemical variation, residue mobility, and thermodynamic stability) performed at Invitae indicates that this missense variant is not expected to disrupt PMS2 protein function. In summary, the available evidence is currently insufficient to determine the role of this variant in disease. Therefore, it has been classified as a Variant of Uncertain Significance.